The following is an entry in ClinVar:

ClinVar aggregate classification (germline): Uncertain significance (1 of 4 stars; one submission).

Conditions:
Hereditary cancer-predisposing syndrome. Also called: Tumor predisposition; Hereditary Cancer Syndrome; Hereditary neoplastic syndrome; Neoplastic Syndromes, Hereditary. Identifiers: Orphanet 140162, MedGen C0027672, MeSH D009386, MONDO:0015356.

Allele frequency attached by ClinVar (database versions not stated): gnomAD exomes below 0.00001.
gnomAD v4.1: 2 of 1,613,962 alleles (0.00012%); highest among the groups gnomAD compares: Non-Finnish European, 0.00017%; no homozygotes.

Submission:

Labcorp Genetics (formerly Invitae), Labcorp
Classification: Uncertain significance for Hereditary cancer-predisposing syndrome. Last evaluated: 2021-10-25. Review status: criteria provided, single submitter. Criteria: Invitae Variant Classification Sherloc (09022015). Collection method: clinical testing. Allele origin: germline.
Comment: In summary, the available evidence is currently insufficient to determine the role of this variant in disease. Therefore, it has been classified as a Variant of Uncertain Significance. Variants that disrupt the consensus splice site are a relatively common cause of aberrant splicing (PMID: 17576681, 9536098). Algorithms developed to predict the effect of sequence changes on RNA splicing suggest that this variant is not likely to affect RNA splicing. This variant has not been reported in the literature in individuals affected with RAD50-related conditions. This variant is not present in population databases (ExAC no frequency). This sequence change falls in intron 21 of the RAD50 gene. It does not directly change the encoded amino acid sequence of the RAD50 protein. It affects a nucleotide within the consensus splice site.

Literature cited by the submitters: PubMed 17576681; PubMed 9536098.

NM_005732.4(RAD50):c.3389+3A>G

Gene: RAD50 (RAD50 double strand break repair protein; plus strand). Cytogenetic location: 5q31.1.
Variant type: single nucleotide variant.
Coding change: c.3389+3A>G on transcript NM_005732.4 (MANE Select); 3 bases into the intron after coding-DNA position 3389, A replaced by G.
Molecular consequence: intron variant.
Genome position (GRCh38, 1-based): chr5:132,618,297, A>G. VCF-style: chr5-132618297-A-G. GRCh37 (hg19) VCF-style: chr5-131953989-A-G.
Identifiers: ClinVar variation 1443692 (VCV001443692.6), dbSNP rs1277820959, ClinGen allele CA562778000.